The following is an entry in ClinVar:

ClinVar aggregate classification (germline): Uncertain significance (1 of 4 stars; one submission).

Submission:

GeneDx
Classification: Uncertain significance. Last evaluated: 2024-02-29. Review status: criteria provided, single submitter. Criteria: GeneDx Variant Classification Process June 2021. Collection method: clinical testing. Allele origin: germline. Affected: yes.
Comment: Not observed at significant frequency in large population cohorts (gnomAD); In silico analysis supports that this missense variant has a deleterious effect on protein structure/function; Has not been previously published as pathogenic or benign to our knowledge

NM_006218.4(PIK3CA):c.1214C>A (p.Ser405Tyr)

Gene: PIK3CA (phosphatidylinositol-4,5-bisphosphate 3-kinase catalytic subunit alpha; plus strand). Cytogenetic location: 3q26.32.
Variant type: single nucleotide variant.
Coding change: c.1214C>A on transcript NM_006218.4 (MANE Select); coding-DNA position 1214, C replaced by A.
Protein change: p.Ser405Tyr; replaces serine 405 with tyrosine.
Molecular consequence: missense variant.
Genome position (GRCh38, 1-based): chr3:179,209,663, C>A. VCF-style: chr3-179209663-C-A. GRCh37 (hg19) VCF-style: chr3-178927451-C-A.
Other names: short protein forms S405Y.
Identifiers: ClinVar variation 3373455 (VCV003373455.1).